The following is an entry in ClinVar:

ClinVar aggregate classification (germline): Uncertain significance (1 of 4 stars; one submission).

Submission:

GeneDx
Classification: Uncertain significance. Last evaluated: 2026-07-23. Review status: criteria provided, single submitter. Criteria: GeneDx Variant Classification Process June 2021. Collection method: clinical testing. Allele origin: germline.
Comment: Not observed at significant frequency in large population cohorts (gnomAD); In silico analysis indicates that this missense variant does not alter protein structure/function; Has not been previously published as pathogenic or benign to our knowledge

NM_181552.4(CUX1):c.1424C>T (p.Thr475Ile)

Gene: CUX1 (cut like homeobox 1; plus strand). Cytogenetic location: 7q22.1.
Variant type: single nucleotide variant.
Coding change: c.1424C>T on transcript NM_181552.4 (MANE Select); coding-DNA position 1424, C replaced by T.
Protein change: p.Thr475Ile; replaces threonine 475 with isoleucine.
Molecular consequence: missense variant. On other transcripts: intron variant (5).
Genome position (GRCh38, 1-based): chr7:102,196,835, C>T. VCF-style: chr7-102196835-C-T. GRCh37 (hg19) VCF-style: chr7-101840115-C-T.
Other names: c.1457C>T, p.Thr486Ile (NM_001202543.2); c.1255+1232C>T (NM_001913.5); c.1249+1232C>T (NM_181500.4); c.1117+1232C>T (NM_001202545.3); c.1207+1232C>T (NM_001202544.3); c.1138+1232C>T (NM_001202546.3); short protein forms T486I, T475I.
Identifiers: ClinVar variation 3572752 (VCV003572752.2).